The following is an entry in ClinVar:

NM_152383.5(DIS3L2):c.1276G>C (p.Val426Leu)

Gene: DIS3L2 (DIS3 like 3'-5' exoribonuclease 2; plus strand). Cytogenetic location: 2q37.1.
Variant type: single nucleotide variant.
Coding change: c.1276G>C on transcript NM_152383.5 (MANE Select); coding-DNA position 1276, G replaced by C.
Protein change: p.Val426Leu; replaces valine 426 with leucine.
Molecular consequence: missense variant. On other transcripts: non-coding transcript variant (2).
Genome position (GRCh38, 1-based): chr2:232,238,604, G>C. VCF-style: chr2-232238604-G-C. GRCh37 (hg19) VCF-style: chr2-233103314-G-C.
Other names: c.1276G>C, p.Val426Leu (NM_001257281.2); short protein forms V426L.
Identifiers: ClinVar variation 2819808 (VCV002819808.3), dbSNP rs2470030503, ClinGen allele CA351154707.
Genomic context (GRCh38, chr2:232,238,604, plus strand): 5'-GTGGGAGTTCACATTGCTGACGTGAGTTACTTTGTTCCGGAGGGATCTGATCTGGATAAA[G>C]TGGCTGCCGAGAGGGCTACAAGCGTCTACTTGGTTCAAAAGGTAAAAATCCATCTCTAGT-3'
Protein context (NP_689596.4, residues 416-436): FVPEGSDLDK[Val426Leu]AAERATSVYL

ClinVar aggregate classification (germline): Uncertain significance (1 of 4 stars; one submission).

Conditions:
Perlman syndrome (PRLMNS). Identifiers: Orphanet 2849, MedGen C0796113, MONDO:0009965, OMIM 267000.

Submission:

Labcorp Genetics (formerly Invitae), Labcorp
Classification: Uncertain significance for Perlman syndrome. Last evaluated: 2022-12-30. Review status: criteria provided, single submitter. Criteria: Invitae Variant Classification Sherloc (09022015). Collection method: clinical testing. Allele origin: germline.
Comment: In summary, the available evidence is currently insufficient to determine the role of this variant in disease. Therefore, it has been classified as a Variant of Uncertain Significance. Advanced modeling of protein sequence and biophysical properties (such as structural, functional, and spatial information, amino acid conservation, physicochemical variation, residue mobility, and thermodynamic stability) performed at Invitae indicates that this missense variant is not expected to disrupt DIS3L2 protein function. This variant has not been reported in the literature in individuals affected with DIS3L2-related conditions. This variant is not present in population databases (gnomAD no frequency). This sequence change replaces valine, which is neutral and non-polar, with leucine, which is neutral and non-polar, at codon 426 of the DIS3L2 protein (p.Val426Leu).